The following is an entry in ClinVar:

ClinVar aggregate classification (germline): Pathogenic (1 of 4 stars; one submission).

Conditions:
Acute myeloid leukemia (AML). Also called: Acute myeloid leukemia, adult; AML adult; Acute non-lymphocytic leukemia; Acute granulocytic leukemia; Leukemia, acute myeloid, somatic; Leukemia, acute myelogenous, somatic. Identifiers: Orphanet 519, MedGen C0023467, MeSH D015470, MONDO:0018874, OMIM 601626, HP:0004808. Disease mechanism: Constitutively activated FLT3.

Submission:

Labcorp Genetics (formerly Invitae), Labcorp
Classification: Pathogenic for Acute myeloid leukemia. Last evaluated: 2024-06-06. Review status: criteria provided, single submitter. Criteria: Invitae Variant Classification Sherloc (09022015). Collection method: clinical testing. Allele origin: germline.
Comment: This sequence change creates a premature translational stop signal (p.Lys92Alafs*7) in the CEBPA gene. While this is not anticipated to result in nonsense mediated decay, it is expected to disrupt the last 267 amino acid(s) of the CEBPA protein. This variant is not present in population databases (gnomAD no frequency). This variant has not been reported in the literature in individuals affected with CEBPA-related conditions. This variant disrupts the production of the full length isoform (p42) of the CEBPA protein, which results in the preferential usage of an alternate downstream in-frame methionine at codon 120. Translation starting from this methionine results in a 30 kDa N-terminal truncated isoform of CEBPA that lacks the TAD1 domain, and has been shown to abrogate CEBPA function by acting as a dominant-negative allele (PMID: 11242107, 19953636, 26162409). While functional studies have not been performed to directly test the effect of this variant on CEBPA protein function, this suggests that disruption of this region of the protein is causative of disease. This variant disrupts the region of the CEBPA protein between codon 15 and 119. Other variants in this region have been observed in individuals with autosomal dominant CEBPA-related conditions (PMID: 11242107, 31867767, 32430494; Invitae), which suggests that this may be a clinically significant region of the protein. For these reasons, this variant has been classified as Pathogenic.

Literature cited by the submitters: PubMed 11242107; PubMed 19953636; PubMed 26162409; PubMed 31867767; PubMed 32430494.

NM_004364.5(CEBPA):c.273_309delinsGGCCAGGGTCT (p.Lys92fs)

Gene: CEBPA (CCAAT enhancer binding protein alpha; minus strand). Cytogenetic location: 19q13.11.
Variant type: Indel.
Coding change: c.273_309delinsGGCCAGGGTCT on transcript NM_004364.5 (MANE Select); coding-DNA positions 273 to 309, the reference bases replaced by GGCCAGGGTCT.
Protein change: p.Lys92fs; shifts the reading frame from lysine 92.
Molecular consequence: frameshift variant. On other transcripts: 5 prime UTR variant (1).
Genome position (GRCh38, 1-based): chr19:33,302,106-33,302,142, 37 bases replaced. GRCh37 (hg19): chr19:33,793,012-33,793,048.
Other names: c.-85_-49delinsGGCCAGGGTCT (NM_001285829.2); c.378_414delinsGGCCAGGGTCT, p.Lys127fs (NM_001287424.2); c.231_267delinsGGCCAGGGTCT, p.Lys78fs (NM_001287435.2); short protein forms K92fs, K127fs, K78fs.
Identifiers: ClinVar variation 3643985 (VCV003643985.2).